The following is an entry in ClinVar:

ClinVar aggregate classification (germline): Pathogenic. Review status: reviewed by expert panel (3 of 4 stars). 5 submissions from 5 submitters: Pathogenic (1). 4 of the submissions do not count toward it. Last evaluated 2016-09-08.

Conditions:
Breast and/or ovarian cancer. Identifiers: MedGen CN221562.
Breast-ovarian cancer, familial, susceptibility to, 1 (BROVCA1). Also called: BRCA1 Hereditary Breast and Ovarian Cancer; OVARIAN CANCER, SUSCEPTIBILITY TO. Identifiers: Orphanet 145, MedGen C2676676, MONDO:0011450, OMIM 604370. Disease mechanism: loss of function.
Hereditary breast ovarian cancer syndrome. Also called: BRCA1- and BRCA2-Associated Hereditary Breast and Ovarian Cancer; Hereditary breast and ovarian cancer syndrome; Hereditary breast and ovarian cancer syndrome (HBOC); Breast and ovarian cancer; Hereditary breast and/or ovarian cancer syndrome; Hereditary breast and ovarian cancer. Identifiers: Orphanet 145, MedGen C0677776, MeSH D061325, MONDO:0003582. Disease mechanism: loss of function.

Submissions (6):

Evidence-based Network for the Interpretation of Germline Mutant Alleles (ENIGMA)
Classification: Pathogenic for Breast-ovarian cancer, familial, susceptibility to, 1. Last evaluated: 2016-09-08. Review status: reviewed by expert panel. Criteria: ENIGMA BRCA1/2 Classification Criteria (2015). Collection method: curation. Allele origin: germline.
Comment: Variant allele predicted to encode a truncated non-functional protein.

Labcorp Genetics (formerly Invitae), Labcorp
Classification: Pathogenic for Hereditary breast ovarian cancer syndrome. Last evaluated: 2023-03-04. Review status: criteria provided, single submitter. Criteria: Invitae Variant Classification Sherloc (09022015). Collection method: clinical testing. Allele origin: germline. Not counted in ClinVar's aggregate classification.
Comment: This sequence change creates a premature translational stop signal (p.Glu1781*) in the BRCA1 gene. It is expected to result in an absent or disrupted protein product. Loss-of-function variants in BRCA1 are known to be pathogenic (PMID: 20104584). This variant is not present in population databases (gnomAD no frequency). For these reasons, this variant has been classified as Pathogenic. ClinVar contains an entry for this variant (Variation ID: 55542). This premature translational stop signal has been observed in individual(s) with breast cancer (PMID: 20727672).

Consortium of Investigators of Modifiers of BRCA1/2 (CIMBA), c/o University of Cambridge
Classification: Pathogenic for Breast-ovarian cancer, familial, susceptibility to, 1. Last evaluated: 2015-10-02. Review status: criteria provided, single submitter. Criteria: CIMBA Mutation Classification guidelines May 2016. Collection method: clinical testing. Allele origin: germline. Not counted in ClinVar's aggregate classification.

CZECANCA consortium
Classification: Pathogenic for Breast and/or ovarian cancer. Last evaluated: 2019-06-11. Review status: no assertion criteria provided. Collection method: clinical testing. Allele origin: germline. Affected: yes. Observed: 1 variant allele. Not counted in ClinVar's aggregate classification.

Sharing Clinical Reports Project (SCRP)
Classification: Pathogenic for Breast-ovarian cancer, familial 1. Last evaluated: 2012-05-01. Review status: no assertion criteria provided. Collection method: clinical testing. Allele origin: germline. Not counted in ClinVar's aggregate classification.

Brotman Baty Institute, University of Washington
No classification provided (evidence only). Condition: Breast-ovarian cancer, familial 1. Review status: no classification provided. Collection method: in vitro. Allele origin: not applicable. Functional consequence: functionally_abnormal. Not counted in ClinVar's aggregate classification.
ClinVar note: "not provided" was previously submitted as the classification for the variant. However, the classification appeared to be based only on an observation of functional data so it was converted to no classification on 2025-07-30.

Literature cited by the submitters: PubMed 20104584 (cited by Labcorp Genetics (formerly Invitae), Labcorp); PubMed 20727672 (cited by Labcorp Genetics (formerly Invitae), Labcorp); PubMed 32295079 (cited by CZECANCA consortium).

NM_007294.4(BRCA1):c.5341G>T (p.Glu1781Ter)

Gene: BRCA1 (BRCA1 DNA repair associated; minus strand). Cytogenetic location: 17q21.31.
Variant type: single nucleotide variant.
Coding change: c.5341G>T on transcript NM_007294.4 (MANE Select); coding-DNA position 5341, G replaced by T.
Protein change: p.Glu1781Ter; replaces glutamic acid 1781 with a stop codon.
Molecular consequence: nonsense. On other transcripts: non-coding transcript variant (1), intron variant (1).
Genome position (GRCh38, 1-based): chr17:43,049,186, C>A on the plus strand (G>T on the coding strand, the complement: BRCA1 is on the minus strand). VCF-style: chr17-43049186-C-A. GRCh37 (hg19) VCF-style: chr17-41201203-C-A.
Other names: c.5131G>T, p.Glu1711Ter (NM_001407882.1, NM_001407884.1, NM_001407885.1 and 5 more transcripts); c.5128G>T, p.Glu1710Ter (NM_001407894.1, NM_001407895.1, NM_001407896.1 and 12 more transcripts); c.1888G>T, p.Glu630Ter (NM_001408465.1, NM_001408466.1, NM_001408467.1 and 7 more transcripts); c.1885G>T, p.Glu629Ter (NM_001408468.1, NM_001408469.1, NM_001408470.1); c.1831G>T, p.Glu611Ter (NM_001408474.1); c.1828G>T, p.Glu610Ter (NM_001408475.1, NM_001408476.1); c.1822G>T, p.Glu608Ter (NM_001408478.1, NM_001408479.1, NM_001408480.1); c.5338G>T, p.Glu1780Ter (NM_001407611.1, NM_001407612.1, NM_001407613.1 and 14 more transcripts); and 73 more; short protein forms E1781*, E1734*, E1802*, E677*, E1654*, E1692*, E1711*, E1738*.
Identifiers: ClinVar variation 55542 (VCV000055542.11), dbSNP rs397509268, ClinGen allele CA003511.